The following is an entry in ClinVar:

ClinVar aggregate classification (germline): Uncertain significance. Review status: criteria provided, multiple submitters, no conflicts (2 of 4 stars). 3 submissions from 3 submitters: Uncertain significance (3). Last evaluated 2025-03-19.

Allele frequency attached by ClinVar (database versions not stated): gnomAD 0.00001; gnomAD exomes 0.00001; ExAC 0.00002; TOPMed 0.00003.
gnomAD v4.1: 11 of 1,613,616 alleles (0.00068%); highest among the groups gnomAD compares: East Asian, 0.0045%; no homozygotes.

Submissions (3):

GeneDx
Classification: Uncertain significance. Last evaluated: 2025-03-19. Review status: criteria provided, single submitter. Criteria: GeneDx Variant Classification Process June 2021. Collection method: clinical testing. Allele origin: germline. Affected: yes.
Comment: In silico analysis supports that this missense variant has a deleterious effect on protein structure/function; Has not been previously published as pathogenic or benign to our knowledge

Labcorp Genetics (formerly Invitae), Labcorp
Classification: Uncertain significance. Last evaluated: 2023-05-18. Review status: criteria provided, single submitter. Criteria: Invitae Variant Classification Sherloc (09022015). Collection method: clinical testing. Allele origin: germline.
Comment: In summary, the available evidence is currently insufficient to determine the role of this variant in disease. Therefore, it has been classified as a Variant of Uncertain Significance. Advanced modeling of protein sequence and biophysical properties (such as structural, functional, and spatial information, amino acid conservation, physicochemical variation, residue mobility, and thermodynamic stability) performed at Invitae indicates that this missense variant is not expected to disrupt CACNA1D protein function. This variant has not been reported in the literature in individuals affected with CACNA1D-related conditions. This variant is present in population databases (rs760959586, gnomAD 0.003%). This sequence change replaces glycine, which is neutral and non-polar, with arginine, which is basic and polar, at codon 862 of the CACNA1D protein (p.Gly862Arg).

Blueprint Genetics
Classification: Uncertain significance. Last evaluated: 2023-02-27. Review status: criteria provided, single submitter. Criteria: ACMG Guidelines, 2015. Collection method: clinical testing. Allele origin: germline.

NM_001128840.3(CACNA1D):c.2524G>A (p.Gly842Arg)

Gene: CACNA1D (calcium voltage-gated channel subunit alpha1 D; plus strand). Cytogenetic location: 3p21.1.
Variant type: single nucleotide variant.
Coding change: c.2524G>A on transcript NM_001128840.3 (MANE Select); coding-DNA position 2524, G replaced by A.
Protein change: p.Gly842Arg; replaces glycine 842 with arginine.
Molecular consequence: missense variant.
Genome position (GRCh38, 1-based): chr3:53,732,865, G>A. VCF-style: chr3-53732865-G-A. GRCh37 (hg19) VCF-style: chr3-53766892-G-A.
Other names: c.2584G>A, p.Gly862Arg (NM_000720.4); c.2524G>A, p.Gly842Arg (NM_001128839.3); c.2584G>A (NM_000720.2); short protein forms G842R, G862R.
Identifiers: ClinVar variation 2991833 (VCV002991833.5), dbSNP rs760959586, ClinGen allele CA2454276.